The following is an entry in ClinVar:

ClinVar aggregate classification (germline): Uncertain significance (1 of 4 stars; one submission).

Conditions:
Hereditary cancer-predisposing syndrome. Also called: Neoplastic Syndromes, Hereditary; Hereditary neoplastic syndrome; Tumor predisposition; Hereditary Cancer Syndrome. Identifiers: Orphanet 140162, MedGen C0027672, MeSH D009386, MONDO:0015356.

Submission:

Ambry Genetics
Classification: Uncertain significance for Hereditary cancer-predisposing syndrome. Last evaluated: 2023-03-10. Review status: criteria provided, single submitter. Criteria: Ambry Variant Classification Scheme 2023. Collection method: clinical testing. Allele origin: germline.
Comment: The p.A909V variant (also known as c.2726C>T), located in coding exon 20 of the KIT gene, results from a C to T substitution at nucleotide position 2726. The alanine at codon 909 is replaced by valine, an amino acid with similar properties. This amino acid position is conserved. In addition, this alteration is predicted to be tolerated by in silico analysis. Since supporting evidence is limited at this time, the clinical significance of this alteration remains unclear.

NM_000222.3(KIT):c.2726C>T (p.Ala909Val)

Gene: KIT (KIT proto-oncogene, receptor tyrosine kinase; plus strand). Cytogenetic location: 4q12.
Variant type: single nucleotide variant.
Coding change: c.2726C>T on transcript NM_000222.3 (MANE Select); coding-DNA position 2726, C replaced by T.
Protein change: p.Ala909Val; replaces alanine 909 with valine.
Molecular consequence: missense variant.
Genome position (GRCh38, 1-based): chr4:54,737,204, C>T. VCF-style: chr4-54737204-C-T. GRCh37 (hg19) VCF-style: chr4-55603370-C-T.
Other names: c.2714C>T, p.Ala905Val (NM_001093772.2, NM_001385292.1); c.2729C>T, p.Ala910Val (NM_001385284.1); c.2723C>T, p.Ala908Val (NM_001385285.1); c.2711C>T, p.Ala904Val (NM_001385286.1); c.2717C>T, p.Ala906Val (NM_001385288.1); c.2726C>T, p.Ala909Val (NM_001385290.1); short protein forms A904V, A908V, A909V, A910V, A906V, A905V.
Identifiers: ClinVar variation 2496737 (VCV002496737.2), dbSNP rs2109813879, ClinGen allele CA356914304.